The following is an entry in ClinVar:

NM_003924.4(PHOX2B):c.666_667del (p.Ala223fs)

Gene: PHOX2B (paired like homeobox 2B; minus strand). Cytogenetic location: 4p13.
Variant type: Deletion.
Coding change: c.666_667del on transcript NM_003924.4 (MANE Select); coding-DNA positions 666 to 667, 2 bases deleted (AG; older notation c.666_667delAG).
Protein change: p.Ala223fs; shifts the reading frame from alanine 223.
Molecular consequence: frameshift variant.
Genome position (GRCh38, 1-based): chr4:41,746,085-41,746,086, CT deleted on the plus strand (AG on the coding strand, the reverse complement: PHOX2B is on the minus strand); deleting any 2 consecutive bases within chr4:41,746,085-41,746,087 gives the same sequence; the c. name uses the placement nearest the transcript's 3' end. VCF-style (leftmost placement, unchanged base first): chr4-41746084-GCT-G. GRCh37 (hg19) VCF-style: chr4-41748101-GCT-G.
Other names: c.666_667delAG (NM_003924.3); short protein forms A223fs.
Identifiers: ClinVar variation 3254839 (VCV003254839.1), dbSNP rs2552096841.

ClinVar aggregate classification (germline): Pathogenic (1 of 4 stars; one submission).

Conditions:
Central hypoventilation syndrome, congenital, 1, with or without Hirschsprung disease (CCHS1). Also called: CENTRAL HYPOVENTILATION SYNDROME, CONGENITAL, 1; Congenital Central Hypoventilation Syndrome (CCHS); AUTONOMIC CONTROL, CONGENITAL FAILURE OF; ONDINE CURSE, CONGENITAL; Central hypoventilation syndrome, congenital, 1, with or without Hirschsprung. Identifiers: Orphanet 661, MedGen C5562075, MONDO:0800026, OMIM 209880.

Submission:

Victorian Clinical Genetics Services, Murdoch Childrens Research Institute
Classification: Pathogenic for Central hypoventilation syndrome, congenital, 1, with or without Hirschsprung disease. Last evaluated: 2023-07-17. Review status: criteria provided, single submitter. Criteria: ACMG Guidelines, 2015. Collection method: clinical testing. Allele origin: germline. Inheritance: Autosomal dominant inheritance. Affected: yes.
Comment: Based on the classification scheme VCGS_Germline_v1.3.4, this variant is classified as Pathogenic. Following criteria are met: 0103 - Loss of function and gain of function are known mechanisms of disease in this gene and are associated with congenital central hypoventilation syndrome 1 with or without Hirschsprung disease (CCHS; MIM#209880) (PMIDs: 20301600, 31444792). Dominant-negative has also been suggested as a mechanism of disease (PMIDs: 20301600). (I) 0107 - This gene is associated with autosomal dominant disease. (I) 0112 - The condition associated with this gene has incomplete penetrance and associated the shortest five polyAla expansions (PMID: 31444792). (I) 0115 - Variants in this gene are known to have variable expressivity. Age of onset of CCHS can range from newborn to adulthood with a broad spectrum of disease severity (PMIDs: 20301600, 31444792). (I) 0208 - Variant is predicted to result in an elongated protein. (SP) 0251 - This variant is heterozygous. (I) 0301 - Variant is absent from gnomAD (both v2 and v3). (SP) 0602 - Variant is located in a hotspot region or cluster of pathogenic variants. The majority of disease-causing variants are located in exon 3 (PMID: 31444792). (SP) 0701 - Other protein elongation variants comparable to the one identified in this case have very strong previous evidence for pathogenicity. At least five protein elongation variants have been classified as pathogenic or likely pathogenic by clinical diagnostic laboratories and have been identified in individuals with congenital central hypoventilation syndrome, Hirschsprung disease and/or neuroblastoma (ClinVar, DECIPHER). (SP) 0807 - This variant has no previous evidence of pathogenicity. (I) 0905 - No published segregation evidence has been identified for this variant. (I) 1007 - No published functional evidence has been identified for this variant. (SP) Legend: (SP) - Supporting pathogenic, (I) - Information, (SB) - Supporting benign

Literature cited by the submitters: PubMed 20301600; PubMed 31444792.